The following is an entry in ClinVar:

NM_003622.4(PPFIBP1):c.500C>T (p.Thr167Ile)

Gene: PPFIBP1 (PPFIB scaffold protein 1; plus strand). Cytogenetic location: 12p11.22.
Variant type: single nucleotide variant.
Coding change: c.500C>T on transcript NM_003622.4 (MANE Select); coding-DNA position 500, C replaced by T.
Protein change: p.Thr167Ile; replaces threonine 167 with isoleucine.
Molecular consequence: missense variant.
Genome position (GRCh38, 1-based): chr12:27,650,038, C>T. VCF-style: chr12-27650038-C-T. GRCh37 (hg19) VCF-style: chr12-27802971-C-T.
Other names: c.41C>T, p.Thr14Ile (NM_001198915.2); c.500C>T, p.Thr167Ile (NM_001198916.2, NM_177444.3); short protein forms T167I, T14I.
Identifiers: ClinVar variation 4142335 (VCV004142335.2).

ClinVar aggregate classification (germline): Uncertain significance. Review status: criteria provided, multiple submitters, no conflicts (2 of 4 stars). 2 submissions from 2 submitters: Uncertain significance (2). Last evaluated 2025-12-01.

Conditions:
Inborn genetic diseases. Identifiers: MedGen C0950123, MeSH D030342.

gnomAD v4.1: 18 of 1,603,274 alleles (0.0011%); highest among the groups gnomAD compares: Non-Finnish European, 0.0015%; no homozygotes.

Submissions (2):

Women's Health and Genetics/Laboratory Corporation of America, LabCorp
Classification: Uncertain significance. Last evaluated: 2025-12-01. Review status: criteria provided, single submitter. Criteria: LabCorp Variant Classification Summary - May 2015. Collection method: clinical testing. Allele origin: germline.
Comment: Variant summary: PPFIBP1 c.500C>T (p.Thr167Ile) results in a non-conservative amino acid change in the encoded protein sequence. Algorithms developed to predict the effect of missense changes on protein structure and function are either unavailable or do not agree on the potential impact of this missense change. The variant allele was found at a frequency of 8e-06 in 250828 control chromosomes. The available data on variant occurrences in the general population are insufficient to allow any conclusion about variant significance. To our knowledge, no occurrence of c.500C>T in individuals affected with PPFIBP1-related conditions and no experimental evidence demonstrating its impact on protein function have been reported. ClinVar contains an entry for this variant (Variation ID: 4142335). Based on the evidence outlined above, the variant was classified as uncertain significance.

Ambry Genetics
Classification: Uncertain significance for Inborn genetic diseases. Last evaluated: 2025-09-04. Review status: criteria provided, single submitter. Criteria: Ambry Variant Classification Scheme 2023. Collection method: clinical testing. Allele origin: germline.